The following is an entry in ClinVar:

NM_004522.2(KIF5C):c.-656A>G

Gene: KIF5C (kinesin family member 5C; plus strand). Cytogenetic location: 2q23.1.
Variant type: single nucleotide variant.
Coding change: c.-656A>G on transcript NM_004522.2; 656 bases upstream of the start codon, A replaced by G.
Genome position (GRCh38, 1-based): chr2:148,874,962, A>G. VCF-style: chr2-148874962-A-G. GRCh37 (hg19) VCF-style: chr2-149632531-A-G.
Identifiers: ClinVar variation 672640 (VCV000672640.3), dbSNP rs28459389, ClinGen allele CA58270850.
Genomic context (GRCh38, chr2:148,874,962, plus strand): 5'-TGAAGGATGAAACCCAGGGGCTATTGGGAGCTGTTTCCCAAGTGATTTTCTTTTGGGATC[A>G]GGATGATCCAGACCCAGTTATCTAGAGATTTTAACCGGAAATATTGGATATGACCTCCAT-3'

ClinVar aggregate classification (germline): Likely benign (1 of 4 stars; one submission).

Allele frequency attached by ClinVar (database versions not stated): gnomAD 0.00967 and 0.00897; 1000 Genomes Project 0.00998; 1000 Genomes Project 30x 0.00874; TOPMed 0.01023.

Submission:

GeneDx
Classification: Likely benign. Last evaluated: 2018-06-14. Review status: criteria provided, single submitter. Criteria: GeneDx Variant Classification (06012015). Collection method: clinical testing. Allele origin: germline. Affected: yes.
Comment: This variant is considered likely benign or benign based on one or more of the following criteria: it is a conservative change, it occurs at a poorly conserved position in the protein, it is predicted to be benign by multiple in silico algorithms, and/or has population frequency not consistent with disease.